The following is an entry in ClinVar:

NM_007086.4(WDHD1):c.692A>T (p.Gln231Leu)

Gene: WDHD1 (WD repeat and HMG-box DNA binding protein 1; minus strand). Cytogenetic location: 14q22.3.
Variant type: single nucleotide variant.
Coding change: c.692A>T on transcript NM_007086.4 (MANE Select); coding-DNA position 692, A replaced by T.
Protein change: p.Gln231Leu; replaces glutamine 231 with leucine.
Molecular consequence: missense variant.
Genome position (GRCh38, 1-based): chr14:55,002,094, T>A on the plus strand (A>T on the coding strand, the complement: WDHD1 is on the minus strand). VCF-style: chr14-55002094-T-A. GRCh37 (hg19) VCF-style: chr14-55468812-T-A.
Other names: NC_000014.8:g.55468812T>A; c.323A>T, p.Gln108Leu (NM_001008396.3); short protein forms Q108L, Q231L.
Identifiers: ClinVar variation 2644249 (VCV002644249.25), dbSNP rs138410771, ClinGen allele CA7194596.

ClinVar aggregate classification (germline): Likely benign (1 of 4 stars; one submission).

Allele frequency attached by ClinVar (database versions not stated): TOPMed 0.00278; ExAC 0.00280; gnomAD 0.00287; ESP Exome Variant Server 0.00415; gnomAD exomes 0.00444.
gnomAD v4.1: 6,795 of 1,602,642 alleles (0.42%); highest among the groups gnomAD compares: Non-Finnish European, 0.53%; 19 homozygotes.

Submissions (8):

CeGaT Center for Human Genetics Tuebingen
Classification: Likely benign. Last evaluated: 2022-10-01. Review status: criteria provided, single submitter. Criteria: CeGaT Center For Human Genetics Tuebingen Variant Classification Criteria Version 2. Collection method: clinical testing. Allele origin: germline. Affected: yes. Observed: 1 variant allele.
Comment: WDHD1: BP4, BS2

Dr. Peter K. Rogan Lab, Western University
No classification provided (evidence only). Condition: Clear cell carcinoma of kidney. Review status: no classification provided. Collection method: in vitro. Allele origin: not applicable. Functional consequence: retained intron. Not counted in ClinVar's aggregate classification.

Dr. Peter K. Rogan Lab, Western University
No classification provided (evidence only). Condition: Lung cancer. Review status: no classification provided. Collection method: in vitro. Allele origin: not applicable. Functional consequence: skipped exon. Not counted in ClinVar's aggregate classification.

Dr. Peter K. Rogan Lab, Western University
No classification provided (evidence only). Condition: Thymoma. Review status: no classification provided. Collection method: in vitro. Allele origin: not applicable. Functional consequence: retained intron. Not counted in ClinVar's aggregate classification.

Dr. Peter K. Rogan Lab, Western University
No classification provided (evidence only). Condition: Ovarian serous cystadenocarcinoma. Review status: no classification provided. Collection method: in vitro. Allele origin: not applicable. Functional consequence: retained intron. Not counted in ClinVar's aggregate classification.

Dr. Peter K. Rogan Lab, Western University
No classification provided (evidence only). Condition: Gastric cancer. Review status: no classification provided. Collection method: in vitro. Allele origin: not applicable. Functional consequence: retained intron. Not counted in ClinVar's aggregate classification.

Dr. Peter K. Rogan Lab, Western University
No classification provided (evidence only). Condition: Malignant tumor of esophagus. Review status: no classification provided. Collection method: in vitro. Allele origin: not applicable. Functional consequence: skipped exon, retained intron. Not counted in ClinVar's aggregate classification.

Dr. Peter K. Rogan Lab, Western University
No classification provided (evidence only). Condition: Malignant tumor of esophagus. Review status: no classification provided. Collection method: in vitro. Allele origin: not applicable. Functional consequence: retained intron. Not counted in ClinVar's aggregate classification.